The following is an entry in ClinVar:

NM_002618.4(PEX13):c.978A>G (p.Ile326Met)

Gene: PEX13 (peroxisomal biogenesis factor 13; plus strand). Cytogenetic location: 2p15.
Variant type: single nucleotide variant.
Coding change: c.978A>G on transcript NM_002618.4 (MANE Select); coding-DNA position 978, A replaced by G.
Protein change: p.Ile326Met; replaces isoleucine 326 with methionine.
Molecular consequence: missense variant.
Genome position (GRCh38, 1-based): chr2:61,048,536, A>G. VCF-style: chr2-61048536-A-G. GRCh37 (hg19) VCF-style: chr2-61275671-A-G.
Other names: short protein forms I326M.
Identifiers: ClinVar variation 968728 (VCV000968728.9), dbSNP rs1680745437, ClinGen allele CA346949708.

ClinVar aggregate classification (germline): Uncertain significance (1 of 4 stars; one submission).

Conditions:
Peroxisome biogenesis disorder 11A (Zellweger). Also called: Peroxisome biogenesis disorder 11A. Identifiers: Orphanet 912, MedGen C3554000, MONDO:0013949, OMIM 614883.

Submission:

Labcorp Genetics (formerly Invitae), Labcorp
Classification: Uncertain significance for Peroxisome biogenesis disorder 11A (Zellweger). Last evaluated: 2022-10-25. Review status: criteria provided, single submitter. Criteria: Invitae Variant Classification Sherloc (09022015). Collection method: clinical testing. Allele origin: germline.
Comment: In summary, the available evidence is currently insufficient to determine the role of this variant in disease. Therefore, it has been classified as a Variant of Uncertain Significance. Advanced modeling of protein sequence and biophysical properties (such as structural, functional, and spatial information, amino acid conservation, physicochemical variation, residue mobility, and thermodynamic stability) performed at Invitae indicates that this missense variant is not expected to disrupt PEX13 protein function. ClinVar contains an entry for this variant (Variation ID: 968728). This variant has not been reported in the literature in individuals affected with PEX13-related conditions. This variant is not present in population databases (gnomAD no frequency). This sequence change replaces isoleucine, which is neutral and non-polar, with methionine, which is neutral and non-polar, at codon 326 of the PEX13 protein (p.Ile326Met).